The following is an entry in ClinVar:

NM_017654.4(SAMD9):c.2638G>A (p.Glu880Lys)

Gene: SAMD9 (sterile alpha motif domain containing 9; minus strand). Cytogenetic location: 7q21.2.
Variant type: single nucleotide variant.
Coding change: c.2638G>A on transcript NM_017654.4 (MANE Select); coding-DNA position 2638, G replaced by A.
Protein change: p.Glu880Lys; replaces glutamic acid 880 with lysine.
Molecular consequence: missense variant.
Genome position (GRCh38, 1-based): chr7:93,103,460, C>T on the plus strand (G>A on the coding strand, the complement: SAMD9 is on the minus strand). VCF-style: chr7-93103460-C-T. GRCh37 (hg19) VCF-style: chr7-92732773-C-T.
Other names: c.2638G>A, p.Glu880Lys (NM_001193307.2); short protein forms E880K.
Identifiers: ClinVar variation 3791997 (VCV003791997.2).
Genomic context (GRCh38, chr7:93,103,460, plus strand): 5'-CATTTTCTATGTATTCTTTATTAAAATTGGTTTTCATGATCATAAAGGAATAAAAATCCT[C>T]AAAGTTTTTATGCTGTTCTTTGATTTCTTTCAATTTAAGCTCAAAAGCTCTCTGTTCTTT-3'
Protein context (NP_060124.2, residues 870-890): KEIKEQHKNF[Glu880Lys]DFYSFMIMKT

ClinVar aggregate classification (germline): Conflicting classifications of pathogenicity. Review status: criteria provided, conflicting classifications (1 of 4 stars). 2 submissions from 2 submitters: Uncertain significance (1); Likely benign (1). Last evaluated 2025-05-08.

Conditions:
Inborn genetic diseases. Identifiers: MedGen C0950123, MeSH D030342.

Submissions (2):

Labcorp Genetics (formerly Invitae), Labcorp
Classification: Uncertain significance. Last evaluated: 2025-05-08. Review status: criteria provided, single submitter. Criteria: Invitae Variant Classification Sherloc (09022015). Collection method: clinical testing. Allele origin: germline.
Comment: This sequence change replaces glutamic acid, which is acidic and polar, with lysine, which is basic and polar, at codon 880 of the SAMD9 protein (p.Glu880Lys). This variant is present in population databases (rs149737906, gnomAD 0.007%). This variant has not been reported in the literature in individuals affected with SAMD9-related conditions. Invitae Evidence Modeling of protein sequence and biophysical properties (such as structural, functional, and spatial information, amino acid conservation, physicochemical variation, residue mobility, and thermodynamic stability) indicates that this missense variant is not expected to disrupt SAMD9 protein function with a negative predictive value of 95%. In summary, the available evidence is currently insufficient to determine the role of this variant in disease. Therefore, it has been classified as a Variant of Uncertain Significance.

Ambry Genetics
Classification: Likely benign for Inborn genetic diseases. Last evaluated: 2025-01-13. Review status: criteria provided, single submitter. Criteria: Ambry Variant Classification Scheme 2023. Collection method: clinical testing. Allele origin: germline.